The following is an entry in ClinVar:

NM_000388.4(CASR):c.1426C>G (p.Gln476Glu)

Gene: CASR (calcium sensing receptor; plus strand). Cytogenetic location: 3q21.1.
Variant type: single nucleotide variant.
Coding change: c.1426C>G on transcript NM_000388.4 (MANE Select); coding-DNA position 1426, C replaced by G.
Protein change: p.Gln476Glu; replaces glutamine 476 with glutamic acid.
Molecular consequence: missense variant.
Genome position (GRCh38, 1-based): chr3:122,275,860, C>G. VCF-style: chr3-122275860-C-G. GRCh37 (hg19) VCF-style: chr3-121994707-C-G.
Other names: c.1426C>G, p.Gln476Glu (NM_001178065.2); short protein forms Q476E.
Identifiers: ClinVar variation 1772375 (VCV001772375.2), dbSNP rs2473257627, ClinGen allele CA354154968.

ClinVar aggregate classification (germline): Uncertain significance (1 of 4 stars; one submission).

Conditions:
Nephrolithiasis/nephrocalcinosis. Identifiers: MedGen CN580796.

gnomAD v4.1: 1 of 1,614,142 alleles (0.000062%); highest among the groups gnomAD compares: Non-Finnish European, 0.000085%; no homozygotes.

Submission:

Ambry Genetics
Classification: Uncertain significance for Nephrolithiasis/nephrocalcinosis. Last evaluated: 2022-08-29. Review status: criteria provided, single submitter. Criteria: Ambry Variant Classification Scheme 2023. Collection method: clinical testing. Allele origin: germline.
Comment: The p.Q476E variant (also known as c.1426C>G), located in coding exon 4 of the CASR gene, results from a C to G substitution at nucleotide position 1426. The glutamine at codon 476 is replaced by glutamic acid, an amino acid with highly similar properties. This amino acid position is conserved. In addition, this alteration is predicted to be tolerated by in silico analysis. Since supporting evidence is limited at this time, the clinical significance of this alteration remains unclear.